The following is an entry in ClinVar:

ClinVar aggregate classification (germline): Benign. Review status: criteria provided, single submitter (1 of 4 stars). 2 submissions from 2 submitters: Benign (1). 1 of the submissions does not count toward it. Last evaluated 2026-02-01.

Conditions:
KCNQ1-related disorder. Also called: KCNQ1-related disorders; KCNQ1-related condition. Identifiers: MedGen CN239322.

Allele frequency attached by ClinVar (database versions not stated): gnomAD exomes 0.00012; 1000 Genomes Project 30x 0.00047; 1000 Genomes Project 0.00060; gnomAD 0.00064; TOPMed 0.00068.
gnomAD v4.1: 134 of 398,602 alleles (0.034%); highest among the groups gnomAD compares: African/African-American, 0.2%; no homozygotes.

Submissions (2):

CeGaT Center for Human Genetics Tuebingen
Classification: Benign. Last evaluated: 2026-02-01. Review status: criteria provided, single submitter. Criteria: CeGaT Center For Human Genetics Tuebingen Variant Classification Criteria Version 2. Collection method: clinical testing. Allele origin: germline. Affected: yes. Observed: 2 variant alleles.
Comment: KCNQ1OT1: BS1, BS2

PreventionGenetics, part of Exact Sciences
Classification: Likely benign for KCNQ1-related condition. Last evaluated: 2022-07-25. Review status: no assertion criteria provided. Collection method: clinical testing. Allele origin: germline. Not counted in ClinVar's aggregate classification.
Comment: This variant is classified as likely benign based on ACMG/AMP sequence variant interpretation guidelines (Richards et al. 2015 PMID: 25741868, with internal and published modifications).

NM_000218.3(KCNQ1):c.1394-33873A>G

Genes: KCNQ1 (potassium voltage-gated channel subfamily Q member 1; plus strand), KCNQ1OT1 (KCNQ1 opposite strand/antisense transcript 1; minus strand). Cytogenetic location: 11p15.5.
Variant type: single nucleotide variant.
Coding change: c.1394-33873A>G on transcript NM_000218.3 (MANE Select); 33873 bases into the intron before coding-DNA position 1394, A replaced by G.
Molecular consequence: intron variant. On other transcripts: non-coding transcript variant (1).
Genome position (GRCh38, 1-based): chr11:2,628,088, A>G. VCF-style: chr11-2628088-A-G. GRCh37 (hg19) VCF-style: chr11-2649318-A-G.
Other names: c.1124-33873A>G (NM_001406837.1); c.1298-33873A>G (NM_001406836.1); c.854-33873A>G (NM_001406838.1); c.1013-33873A>G (NM_181798.2).
Identifiers: ClinVar variation 3037020 (VCV003037020.16), dbSNP rs188992605, ClinGen allele CA216365535.